The following is an entry in ClinVar:

ClinVar aggregate classification (germline): Uncertain significance (1 of 4 stars; one submission).

Submission:

Labcorp Genetics (formerly Invitae), Labcorp
Classification: Uncertain significance. Last evaluated: 2025-03-18. Review status: criteria provided, single submitter. Criteria: Invitae Variant Classification Sherloc (09022015). Collection method: clinical testing. Allele origin: germline.
Comment: This sequence change replaces serine, which is neutral and polar, with alanine, which is neutral and non-polar, at codon 35 of the SOX17 protein (p.Ser35Ala). This variant is not present in population databases (gnomAD no frequency). This variant has not been reported in the literature in individuals affected with SOX17-related conditions. Invitae Evidence Modeling of protein sequence and biophysical properties (such as structural, functional, and spatial information, amino acid conservation, physicochemical variation, residue mobility, and thermodynamic stability) indicates that this missense variant is not expected to disrupt SOX17 protein function with a negative predictive value of 80%. In summary, the available evidence is currently insufficient to determine the role of this variant in disease. Therefore, it has been classified as a Variant of Uncertain Significance.

NM_022454.4(SOX17):c.103T>G (p.Ser35Ala)

Gene: SOX17 (SRY-box transcription factor 17; plus strand). Cytogenetic location: 8q11.23.
Variant type: single nucleotide variant.
Coding change: c.103T>G on transcript NM_022454.4 (MANE Select); coding-DNA position 103, T replaced by G.
Protein change: p.Ser35Ala; replaces serine 35 with alanine.
Molecular consequence: missense variant.
Genome position (GRCh38, 1-based): chr8:54,458,241, T>G. VCF-style: chr8-54458241-T-G. GRCh37 (hg19) VCF-style: chr8-55370801-T-G.
Other names: short protein forms S35A.
Identifiers: ClinVar variation 4693540 (VCV004693540.1).